The following is an entry in ClinVar:

NM_004260.4(RECQL4):c.182G>A (p.Ser61Asn)

Genes: RECQL4 (RecQ like helicase 4; minus strand), LOC130001411 (ATAC-STARR-seq lymphoblastoid silent region 19699; plus strand). Cytogenetic location: 8q24.3.
Variant type: single nucleotide variant.
Coding change: c.182G>A on transcript NM_004260.4 (MANE Select); coding-DNA position 182, G replaced by A.
Protein change: p.Ser61Asn; replaces serine 61 with asparagine.
Molecular consequence: missense variant.
Genome position (GRCh38, 1-based): chr8:144,517,445, C>T on the plus strand (G>A on the coding strand, the complement: RECQL4 is on the minus strand). VCF-style: chr8-144517445-C-T. GRCh37 (hg19) VCF-style: chr8-145742829-C-T.
Other names: short protein forms S61N.
Identifiers: ClinVar variation 945475 (VCV000945475.6), dbSNP rs1815349306, ClinGen allele CA372692589.

ClinVar aggregate classification (germline): Uncertain significance. Review status: criteria provided, multiple submitters, no conflicts (2 of 4 stars). 2 submissions from 2 submitters: Uncertain significance (2). Last evaluated 2025-07-19.

Conditions:
Inborn genetic diseases. Identifiers: MedGen C0950123, MeSH D030342.
Baller-Gerold syndrome (BGS). Also called: CRANIOSYNOSTOSIS WITH RADIAL DEFECTS. Identifiers: Orphanet 1225, MedGen C0265308, MONDO:0009039, OMIM 218600.

gnomAD v4.1: 1 of 1,591,198 alleles (0.000063%); highest among the groups gnomAD compares: Non-Finnish European, 0.000085%; no homozygotes.

Submissions (2):

Ambry Genetics
Classification: Uncertain significance for Inborn genetic diseases. Last evaluated: 2025-07-19. Review status: criteria provided, single submitter. Criteria: Ambry Variant Classification Scheme 2023. Collection method: clinical testing. Allele origin: germline.
Comment: The p.S61N variant (also known as c.182G>A), located in coding exon 3 of the RECQL4 gene, results from a G to A substitution at nucleotide position 182. The serine at codon 61 is replaced by asparagine, an amino acid with highly similar properties. This amino acid position is conserved. In addition, this alteration is predicted to be tolerated by in silico analysis. Based on the available evidence, the clinical significance of this variant remains unclear.

Labcorp Genetics (formerly Invitae), Labcorp
Classification: Uncertain significance for Baller-Gerold syndrome. Last evaluated: 2019-08-01. Review status: criteria provided, single submitter. Criteria: Invitae Variant Classification Sherloc (09022015). Collection method: clinical testing. Allele origin: germline.
Comment: In summary, the available evidence is currently insufficient to determine the role of this variant in disease. Therefore, it has been classified as a Variant of Uncertain Significance. This sequence change replaces serine with asparagine at codon 61 of the RECQL4 protein (p.Ser61Asn). The serine residue is weakly conserved and there is a small physicochemical difference between serine and asparagine. This variant is not present in population databases (ExAC no frequency). This variant has not been reported in the literature in individuals with RECQL4-related conditions. Algorithms developed to predict the effect of missense changes on protein structure and function are either unavailable or do not agree on the potential impact of this missense change (SIFT: "Tolerated"; PolyPhen-2: "Not available"; Align-GVGD: "Class C0").